The following is an entry in ClinVar:

ClinVar aggregate classification (germline): Likely pathogenic (1 of 4 stars; one submission).

Conditions:
Niemann-Pick disease, type C1. Also called: NIEMANN-PICK DISEASE, VARIANT TYPE C1; NEUROVISCERAL STORAGE DISEASE WITH VERTICAL SUPRANUCLEAR OPHTHALMOPLEGIA; NIEMANN-PICK DISEASE WITH CHOLESTEROL ESTERIFICATION BLOCK; NIEMANN-PICK DISEASE WITHOUT SPHINGOMYELINASE DEFICIENCY; NIEMANN-PICK DISEASE, CHRONIC NEURONOPATHIC FORM. Identifiers: Orphanet 646, MedGen C3179455, MONDO:0009757, OMIM 257220.

Submission:

Natera, Inc.
Classification: Likely pathogenic for Niemann-Pick disease type C1. Last evaluated: 2025-08-07. Review status: criteria provided, single submitter. Criteria: Natera Variant Classification Schema (03/2026). Collection method: clinical testing. Allele origin: germline.
Comment: The c.2826G>A variant in NPC1 is a nonsense variant predicted to introduce a stop codon at amino acid 942. This variant is expected to result in nonsense mediated decay, truncation, or a dysfunctional protein product. This variant is rare in the general population with a frequency below the threshold expected for the associated phenotype(s). Given the available evidence, this variant is classified as Likely Pathogenic.

NM_000271.5(NPC1):c.2826G>A (p.Trp942Ter)

Gene: NPC1 (NPC intracellular cholesterol transporter 1; minus strand). Cytogenetic location: 18q11.2.
Variant type: single nucleotide variant.
Coding change: c.2826G>A on transcript NM_000271.5 (MANE Select); coding-DNA position 2826, G replaced by A.
Protein change: p.Trp942Ter; replaces tryptophan 942 with a stop codon.
Molecular consequence: nonsense.
Genome position (GRCh38, 1-based): chr18:23,539,440, C>T on the plus strand (G>A on the coding strand, the complement: NPC1 is on the minus strand). VCF-style: chr18-23539440-C-T. GRCh37 (hg19) VCF-style: chr18-21119404-C-T.
Other names: short protein forms W942*.
Identifiers: ClinVar variation 4818061 (VCV004818061.1).
Genomic context (GRCh38, chr18:23,539,440, plus strand): 5'-GATATTGTCCACTCGACAGCAAGACGACTGTGGCTTCACCCAGTCGAAATAATCGTCGAT[C>T]CAGGACGAGGGGGCGAAGCCTATTCGGGTACTAGAGAGGACAGACAGGGTTACTGACCTG-3'